The following is an entry in ClinVar:

ClinVar aggregate classification (germline): Uncertain significance (1 of 4 stars; one submission).

Submission:

Labcorp Genetics (formerly Invitae), Labcorp
Classification: Uncertain significance. Last evaluated: 2024-12-20. Review status: criteria provided, single submitter. Criteria: Invitae Variant Classification Sherloc (09022015). Collection method: clinical testing. Allele origin: germline.
Comment: This sequence change replaces valine, which is neutral and non-polar, with methionine, which is neutral and non-polar, at codon 98 of the TBXA2R protein (p.Val98Met). This variant is present in population databases (rs199613857, gnomAD 0.003%). This variant has not been reported in the literature in individuals affected with TBXA2R-related conditions. An algorithm developed to predict the effect of missense changes on protein structure and function (PolyPhen-2) suggests that this variant is likely to be disruptive. In summary, the available evidence is currently insufficient to determine the role of this variant in disease. Therefore, it has been classified as a Variant of Uncertain Significance.

NM_001060.6(TBXA2R):c.292G>A (p.Val98Met)

Gene: TBXA2R (thromboxane A2 receptor; minus strand). Cytogenetic location: 19p13.3.
Variant type: single nucleotide variant.
Coding change: c.292G>A on transcript NM_001060.6 (MANE Select); coding-DNA position 292, G replaced by A.
Protein change: p.Val98Met; replaces valine 98 with methionine.
Molecular consequence: missense variant.
Genome position (GRCh38, 1-based): chr19:3,600,343, C>T on the plus strand (G>A on the coding strand, the complement: TBXA2R is on the minus strand). VCF-style: chr19-3600343-C-T. GRCh37 (hg19) VCF-style: chr19-3600341-C-T.
Other names: c.292G>A, p.Val98Met (NM_201636.3); short protein forms V98M.
Identifiers: ClinVar variation 3718782 (VCV003718782.2).